The following is an entry in ClinVar:

ClinVar aggregate classification (germline): Uncertain significance (1 of 4 stars; one submission).

Submission:

GeneDx
Classification: Uncertain significance. Last evaluated: 2026-01-30. Review status: criteria provided, single submitter. Criteria: GeneDx Variant Classification Process June 2021. Collection method: clinical testing. Allele origin: germline.
Comment: Not observed at significant frequency in large population cohorts (gnomAD); In silico analysis supports that this missense variant has a deleterious effect on protein structure/function; Has not been previously published as pathogenic or benign to our knowledge

NM_001395002.1(MAP4K4):c.2276C>T (p.Ser759Leu)

Gene: MAP4K4 (mitogen-activated protein kinase kinase kinase kinase 4; plus strand). Cytogenetic location: 2q11.2.
Variant type: single nucleotide variant.
Coding change: c.2276C>T on transcript NM_001395002.1 (MANE Select); coding-DNA position 2276, C replaced by T.
Protein change: p.Ser759Leu; replaces serine 759 with leucine.
Molecular consequence: missense variant. On other transcripts: non-coding transcript variant (4).
Genome position (GRCh38, 1-based): chr2:101,866,499, C>T. VCF-style: chr2-101866499-C-T. GRCh37 (hg19) VCF-style: chr2-102482961-C-T.
Other names: c.2042C>T, p.Ser681Leu (NM_001242559.2, NM_001384488.1); c.2021C>T, p.Ser674Leu (NM_001242560.2, NM_001384487.1); c.2111C>T, p.Ser704Leu (NM_001384476.1); c.2108C>T, p.Ser703Leu (NM_001384477.1, NM_001384508.1); c.1790C>T, p.Ser597Leu (NM_001384478.1, NM_001384482.1, NM_001384495.1); c.2045C>T, p.Ser682Leu (NM_001384481.1, NM_001384486.1, NM_001384507.1); c.1880C>T, p.Ser627Leu (NM_001384483.1, NM_001384494.1); c.2114C>T, p.Ser705Leu (NM_001384484.1, NM_001384485.1, NM_001384493.1); and 19 more; short protein forms S587L, S588L, S596L, S597L, S619L, S627L, S628L, S642L.
Identifiers: ClinVar variation 4975566 (VCV004975566.1).